The following is an entry in ClinVar:

ClinVar aggregate classification (germline): Conflicting classifications of pathogenicity. Review status: criteria provided, conflicting classifications (1 of 4 stars). 2 submissions from 2 submitters: Uncertain significance (1); Likely benign (1). Last evaluated 2025-03-10.

Conditions:
Dilated cardiomyopathy 1G (CMD1G). Identifiers: Orphanet 154, MedGen C1858763, MONDO:0011400, OMIM 604145.
Autosomal recessive limb-girdle muscular dystrophy type 2J (LGMDR10). Also called: Limb-girdle muscular dystrophy, type 2J; MUSCULAR DYSTROPHY, LIMB-GIRDLE, AUTOSOMAL RECESSIVE 10. Identifiers: Orphanet 140922, MedGen C1837342, MONDO:0012127, OMIM 608807.

Allele frequency attached by ClinVar (database versions not stated): gnomAD exomes below 0.00001.
gnomAD v4.1: 5 of 1,612,470 alleles (0.00031%); highest among the groups gnomAD compares: Admixed American, 0.0017%; no homozygotes.

Submissions (2):

Labcorp Genetics (formerly Invitae), Labcorp
Classification: Uncertain significance for Dilated cardiomyopathy 1G; Autosomal recessive limb-girdle muscular dystrophy type 2J. Last evaluated: 2025-03-10. Review status: criteria provided, single submitter. Criteria: Invitae Variant Classification Sherloc (09022015). Collection method: clinical testing. Allele origin: germline.
Comment: This sequence change replaces valine, which is neutral and non-polar, with isoleucine, which is neutral and non-polar, at codon 11248 of the TTN protein (p.Val11248Ile). This variant also falls at the last nucleotide of exon 142, which is part of the consensus splice site for this exon. This variant is not present in population databases (gnomAD no frequency). This variant has not been reported in the literature in individuals affected with TTN-related conditions. ClinVar contains an entry for this variant (Variation ID: 962621). Experimental studies and prediction algorithms are not available or were not evaluated, and the functional significance of this variant is currently unknown. Variants that disrupt the consensus splice site are a relatively common cause of aberrant splicing (PMID: 17576681, 9536098). Algorithms developed to predict the effect of sequence changes on RNA splicing suggest that this variant may disrupt the consensus splice site. This variant is located in the I band of TTN (PMID: 25589632). Non-truncating variants in this region may be clinically relevant, but have not been definitively shown to cause cardiomyopathy or neuromuscular disease (PMID: 27493940, 32778822). In summary, the available evidence is currently insufficient to determine the role of this variant in disease. Therefore, it has been classified as a Variant of Uncertain Significance.

Blueprint Genetics
Classification: Likely benign. Last evaluated: 2021-07-12. Review status: criteria provided, single submitter. Criteria: ACMG Guidelines, 2015. Collection method: clinical testing. Allele origin: germline.

Literature cited by the submitters: PubMed 17576681 (cited by Labcorp Genetics (formerly Invitae), Labcorp); PubMed 9536098 (cited by Labcorp Genetics (formerly Invitae), Labcorp); PubMed 25589632 (cited by Labcorp Genetics (formerly Invitae), Labcorp); PubMed 27493940 (cited by Labcorp Genetics (formerly Invitae), Labcorp); PubMed 32778822 (cited by Labcorp Genetics (formerly Invitae), Labcorp).

NM_001267550.2(TTN):c.33742G>A (p.Val11248Ile)

Gene: TTN (titin; minus strand). Cytogenetic location: 2q31.2.
Variant type: single nucleotide variant.
Coding change: c.33742G>A on transcript NM_001267550.2 (MANE Select); coding-DNA position 33742, G replaced by A.
Protein change: p.Val11248Ile; replaces valine 11248 with isoleucine.
Molecular consequence: missense variant. On other transcripts: intron variant (3).
Genome position (GRCh38, 1-based): chr2:178,679,339, C>T on the plus strand (G>A on the coding strand, the complement: TTN is on the minus strand). VCF-style: chr2-178679339-C-T. GRCh37 (hg19) VCF-style: chr2-179544066-C-T.
Other names: c.32791G>A, p.Val10931Ile (NM_001256850.1); c.30010G>A, p.Val10004Ile (NM_133378.4); c.13283-37022G>A (NM_003319.4); c.13859-37022G>A (NM_133437.4); c.13658-37022G>A (NM_133432.3); short protein forms V10931I, V10004I, V11248I.
Identifiers: ClinVar variation 962621 (VCV000962621.11), dbSNP rs996345107, ClinGen allele CA60982829.